The following is an entry in ClinVar:

NM_001001557.4(GDF6):c.856C>T (p.Arg286Cys)

Gene: GDF6 (growth differentiation factor 6; minus strand). Cytogenetic location: 8q22.1.
Variant type: single nucleotide variant.
Coding change: c.856C>T on transcript NM_001001557.4 (MANE Select); coding-DNA position 856, C replaced by T.
Protein change: p.Arg286Cys; replaces arginine 286 with cysteine.
Molecular consequence: missense variant.
Genome position (GRCh38, 1-based): chr8:96,145,075, G>A on the plus strand (C>T on the coding strand, the complement: GDF6 is on the minus strand). VCF-style: chr8-96145075-G-A. GRCh37 (hg19) VCF-style: chr8-97157303-G-A.
Other names: short protein forms R286C.
Identifiers: ClinVar variation 954246 (VCV000954246.10), dbSNP rs1303995573, ClinGen allele CA371751656.
Genomic context (GRCh38, chr8:96,145,075, plus strand): 5'-CCGGGCCCGCAGCCTCGGCCGAGCCCAGCTGCTCGCGCATCTCTGCGAACAGGTTCTTGC[G>A]CTGGGATCTGGTGAATACCACCAGCAGGGCCCGCTCCTGGGGAGGCCGCACCCTCCGGCC-3'
Protein context (NP_001001557.1, residues 276-296): ALLVVFTRSQ[Arg286Cys]KNLFAEMREQ

ClinVar aggregate classification (germline): Uncertain significance. Review status: criteria provided, multiple submitters, no conflicts (2 of 4 stars). 2 submissions from 2 submitters: Uncertain significance (2). Last evaluated 2025-01-04.

Conditions:
Inborn genetic diseases. Identifiers: MedGen C0950123, MeSH D030342.
Leber congenital amaurosis 17 (LCA17). Identifiers: Orphanet 65, MedGen C3715164, MONDO:0014145, OMIM 615360.
Microphthalmia, isolated, with coloboma 6 (MCOPCB6). Also called: Microphthalmia with coloboma 6, digenic; Microphthalmia with coloboma 6; MICROPHTHALMIA/COLOBOMA 6. Identifiers: Orphanet 98938, MedGen C3150968, MONDO:0013376, OMIM 613703.
Isolated microphthalmia 4. Identifiers: Orphanet 2542, MedGen C2751307, MONDO:0013130, OMIM 613094.
Klippel-Feil syndrome 1, autosomal dominant (KFS1). Also called: CERVICAL VERTEBRAL FUSION, AUTOSOMAL DOMINANT. Identifiers: Orphanet 2345, MedGen C1861689, MONDO:0007306, OMIM 118100.

gnomAD v4.1: 1 of 1,510,078 alleles (0.000066%); no homozygotes.

Submissions (2):

Ambry Genetics
Classification: Uncertain significance for Inborn genetic diseases. Last evaluated: 2025-01-04. Review status: criteria provided, single submitter. Criteria: Ambry Variant Classification Scheme 2023. Collection method: clinical testing. Allele origin: germline.

Labcorp Genetics (formerly Invitae), Labcorp
Classification: Uncertain significance for Isolated microphthalmia 4; Leber congenital amaurosis 17; Klippel-Feil syndrome 1, autosomal dominant; Microphthalmia, isolated, with coloboma 6. Last evaluated: 2019-10-02. Review status: criteria provided, single submitter. Criteria: Invitae Variant Classification Sherloc (09022015). Collection method: clinical testing. Allele origin: germline.
Comment: The frequency data for this variant in the population databases is considered unreliable, as metrics indicate insufficient coverage at this position in the ExAC database. This sequence change replaces arginine with cysteine at codon 286 of the GDF6 protein (p.Arg286Cys). The arginine residue is highly conserved and there is a large physicochemical difference between arginine and cysteine. This variant has not been reported in the literature in individuals with GDF6-related conditions. In summary, the available evidence is currently insufficient to determine the role of this variant in disease. Therefore, it has been classified as a Variant of Uncertain Significance. Algorithms developed to predict the effect of missense changes on protein structure and function are either unavailable or do not agree on the potential impact of this missense change (SIFT: "Deleterious"; PolyPhen-2: "Possibly Damaging"; Align-GVGD: "Class C0").